The following is an entry in ClinVar:

ClinVar aggregate classification (germline): Uncertain significance (1 of 4 stars; one submission).

Conditions:
Brugada syndrome 5 (BRGDA5). Identifiers: Orphanet 130, Orphanet 871, MedGen C2748541, MONDO:0013015, OMIM 612838.

Allele frequency attached by ClinVar (database versions not stated): gnomAD exomes below 0.00001; TOPMed below 0.00001.
gnomAD v4.1: 1 of 1,614,078 alleles (0.000062%); highest among the groups gnomAD compares: Non-Finnish European, 0.000085%; no homozygotes.

Submission:

Labcorp Genetics (formerly Invitae), Labcorp
Classification: Uncertain significance for Brugada syndrome 5. Last evaluated: 2025-10-26. Review status: criteria provided, single submitter. Criteria: Invitae Variant Classification Sherloc (09022015). Collection method: clinical testing. Allele origin: germline.
Comment: This sequence change replaces tryptophan, which is neutral and slightly polar, with serine, which is neutral and polar, at codon 92 of the SCN1B protein (p.Trp92Ser). This variant is present in population databases (no rsID available, gnomAD 0.01%). This variant has not been reported in the literature in individuals affected with SCN1B-related conditions. ClinVar contains an entry for this variant (Variation ID: 2695164). An algorithm developed to predict the effect of missense changes on protein structure and function (PolyPhen-2) suggests that this variant is likely to be disruptive. In summary, the available evidence is currently insufficient to determine the role of this variant in disease. Therefore, it has been classified as a Variant of Uncertain Significance.

NM_001037.5(SCN1B):c.275G>C (p.Trp92Ser)

Gene: SCN1B (sodium voltage-gated channel beta subunit 1; plus strand). Cytogenetic location: 19q13.11.
Variant type: single nucleotide variant.
Coding change: c.275G>C on transcript NM_001037.5 (MANE Select); coding-DNA position 275, G replaced by C.
Protein change: p.Trp92Ser; replaces tryptophan 92 with serine.
Molecular consequence: missense variant.
Genome position (GRCh38, 1-based): chr19:35,033,566, G>C. VCF-style: chr19-35033566-G-C. GRCh37 (hg19) VCF-style: chr19-35524470-G-C.
Other names: c.176G>C, p.Trp59Ser (NM_001321605.2); c.275G>C, p.Trp92Ser (NM_199037.5); short protein forms W59S, W92S.
Identifiers: ClinVar variation 2695164 (VCV002695164.3), dbSNP rs1327108796, ClinGen allele CA405328674.
Genomic context (GRCh38, chr19:35,033,566, plus strand): 5'-GCTATGAGAATGAGGTGTTGCAGCTGGAGGAGGATGAGCGCTTCGAGGGCCGCGTGGTGT[G>C]GAATGGCAGCCGGGGCACCAAAGACCTGCAGGATCTGTCTATCTTCATCACCAATGTCAC-3'
Protein context (NP_001028.1, residues 82-102): EDERFEGRVV[Trp92Ser]NGSRGTKDLQ